The following is an entry in ClinVar:

NM_153485.3(NUP155):c.3287G>A (p.Arg1096His)

Gene: NUP155 (nucleoporin 155; minus strand). Cytogenetic location: 5p13.2.
Variant type: single nucleotide variant.
Coding change: c.3287G>A on transcript NM_153485.3 (MANE Select); coding-DNA position 3287, G replaced by A.
Protein change: p.Arg1096His; replaces arginine 1096 with histidine.
Molecular consequence: missense variant.
Genome position (GRCh38, 1-based): chr5:37,303,290, C>T on the plus strand (G>A on the coding strand, the complement: NUP155 is on the minus strand). VCF-style: chr5-37303290-C-T. GRCh37 (hg19) VCF-style: chr5-37303392-C-T.
Other names: c.3095G>A, p.Arg1032His (NM_001278312.2); c.3110G>A, p.Arg1037His (NM_004298.4); c.3287G>A (NM_153485.1); short protein forms R1032H, R1037H, R1096H.
Identifiers: ClinVar variation 3393051 (VCV003393051.2).
Genomic context (GRCh38, chr5:37,303,290, plus strand): 5'-ATTCTTCACAATAAGAATATTATGCCATACCTATGCATGTCAGCCAGTCTGGACAGTACA[C>T]GAGCAGCATTACTGAAACTTCTGTTCTTCTCGTAATACCGCCAGAGTAAATCCATATAAC-3'
Protein context (NP_705618.1, residues 1086-1106): EKNRSFSNAA[Arg1096His]VLSRLADMHS

ClinVar aggregate classification (germline): Uncertain significance. Review status: criteria provided, multiple submitters, no conflicts (2 of 4 stars). 2 submissions from 2 submitters: Uncertain significance (2). Last evaluated 2025-08-31.

gnomAD v4.1: 731 of 1,613,994 alleles (0.045%); highest among the groups gnomAD compares: Non-Finnish European, 0.047%; no homozygotes.

Submissions (2):

Ambry Genetics
Classification: Uncertain significance. Last evaluated: 2025-08-31. Review status: criteria provided, single submitter. Criteria: Ambry Variant Classification Scheme 2023. Collection method: clinical testing. Allele origin: germline.

Clinical Genomics Laboratory, Stanford Medicine
Classification: Uncertain significance. Last evaluated: 2022-12-02. Review status: criteria provided, single submitter. Criteria: ACMG Guidelines, 2015. Collection method: clinical testing. Allele origin: germline. Observed: 1 variant allele, 1 heterozygote.
Comment: The p.Arg1096His variant in the NUP155 gene has not been previously reported in association with disease. This variant has been identified in 49/25,118 European Finnish chromosomes (124/282,748 chromosomes overall) by the Genome Aggregation Database. Computational tools predict that the p.Arg1096His variant is neither deleterious nor benign; however, the in silico accuracy of algorithms is limited. These data were assessed using the ACMG/AMP variant interpretation guidelines. In summary, the significance of the p.Arg1096His variant is uncertain. Additional information is needed to resolve the significance of this variant. [ACMG evidence codes used: None]